The following is an entry in ClinVar:

NM_000548.5(TSC2):c.4700G>C (p.Gly1567Ala)

Gene: TSC2 (TSC complex subunit 2; plus strand). Cytogenetic location: 16p13.3.
Variant type: single nucleotide variant.
Coding change: c.4700G>C on transcript NM_000548.5 (MANE Select); coding-DNA position 4700, G replaced by C.
Protein change: p.Gly1567Ala; replaces glycine 1567 with alanine.
Molecular consequence: missense variant.
Genome position (GRCh38, 1-based): chr16:2,086,230, G>C. VCF-style: chr16-2086230-G-C. GRCh37 (hg19) VCF-style: chr16-2136231-G-C.
Other names: c.4499G>C, p.Gly1500Ala (NM_001077183.3); c.4631G>C, p.Gly1544Ala (NM_001114382.3); c.4391G>C, p.Gly1464Ala (NM_001318827.2); c.4355G>C, p.Gly1452Ala (NM_001318829.2); c.3968G>C, p.Gly1323Ala (NM_001318831.2); c.4532G>C, p.Gly1511Ala (NM_001318832.2); c.4502G>C, p.Gly1501Ala (NM_001363528.2); c.4568G>C, p.Gly1523Ala (NM_001370404.1); and 26 more; short protein forms G1075A, G1076A, G1452A, G1494A, G1500A, G1511A, G1524A, G1544A.
Identifiers: ClinVar variation 1947542 (VCV001947542.5), dbSNP rs45517364, ClinGen allele CA394307280.

ClinVar aggregate classification (germline): Uncertain significance (1 of 4 stars; one submission).

Conditions:
Tuberous sclerosis 2 (TSC2). Identifiers: Orphanet 805, MedGen C1860707, MONDO:0013199, OMIM 613254.

Submission:

Labcorp Genetics (formerly Invitae), Labcorp
Classification: Uncertain significance for Tuberous sclerosis 2. Last evaluated: 2022-12-15. Review status: criteria provided, single submitter. Criteria: Invitae Variant Classification Sherloc (09022015). Collection method: clinical testing. Allele origin: germline.
Comment: This sequence change replaces glycine, which is neutral and non-polar, with alanine, which is neutral and non-polar, at codon 1567 of the TSC2 protein (p.Gly1567Ala). This variant is not present in population databases (gnomAD no frequency). This variant has not been reported in the literature in individuals affected with TSC2-related conditions. Advanced modeling of protein sequence and biophysical properties (such as structural, functional, and spatial information, amino acid conservation, physicochemical variation, residue mobility, and thermodynamic stability) has been performed at Invitae for this missense variant, however the output from this modeling did not meet the statistical confidence thresholds required to predict the impact of this variant on TSC2 protein function. In summary, the available evidence is currently insufficient to determine the role of this variant in disease. Therefore, it has been classified as a Variant of Uncertain Significance.